The following is an entry in ClinVar:

ClinVar aggregate classification (germline): Uncertain significance (1 of 4 stars; one submission).

Submission:

Labcorp Genetics (formerly Invitae), Labcorp
Classification: Uncertain significance. Last evaluated: 2024-01-04. Review status: criteria provided, single submitter. Criteria: Invitae Variant Classification Sherloc (09022015). Collection method: clinical testing. Allele origin: germline.
Comment: This sequence change replaces aspartic acid, which is acidic and polar, with asparagine, which is neutral and polar, at codon 811 of the LRP6 protein (p.Asp811Asn). This variant is not present in population databases (gnomAD no frequency). This variant has not been reported in the literature in individuals affected with LRP6-related conditions. Advanced modeling of protein sequence and biophysical properties (such as structural, functional, and spatial information, amino acid conservation, physicochemical variation, residue mobility, and thermodynamic stability) performed at Invitae indicates that this missense variant is not expected to disrupt LRP6 protein function with a negative predictive value of 80%. In summary, the available evidence is currently insufficient to determine the role of this variant in disease. Therefore, it has been classified as a Variant of Uncertain Significance.

NM_002336.3(LRP6):c.2431G>A (p.Asp811Asn)

Gene: LRP6 (LDL receptor related protein 6; minus strand). Cytogenetic location: 12p13.2.
Variant type: single nucleotide variant.
Coding change: c.2431G>A on transcript NM_002336.3 (MANE Select); coding-DNA position 2431, G replaced by A.
Protein change: p.Asp811Asn; replaces aspartic acid 811 with asparagine.
Molecular consequence: missense variant. On other transcripts: non-coding transcript variant (1).
Genome position (GRCh38, 1-based): chr12:12,159,813, C>T on the plus strand (G>A on the coding strand, the complement: LRP6 is on the minus strand). VCF-style: chr12-12159813-C-T. GRCh37 (hg19) VCF-style: chr12-12312747-C-T.
Other names: c.2431G>A, p.Asp811Asn (NM_001414244.1, NM_001414245.1, NM_001414246.1 and 4 more transcripts); c.2233G>A, p.Asp745Asn (NM_001414247.1); c.1978G>A, p.Asp660Asn (NM_001414252.1, NM_001414253.1, NM_001414254.1); c.1924G>A, p.Asp642Asn (NM_001414255.1); short protein forms D660N, D642N, D745N, D811N.
Identifiers: ClinVar variation 2818219 (VCV002818219.3), dbSNP rs2498833136, ClinGen allele CA383944500.